The following is an entry in ClinVar:

NM_001039803.3(CDK20):c.564G>A (p.Trp188Ter)

Gene: CDK20 (cyclin dependent kinase 20; minus strand). Cytogenetic location: 9q22.1.
Variant type: single nucleotide variant.
Coding change: c.564G>A on transcript NM_001039803.3 (MANE Select); coding-DNA position 564, G replaced by A.
Protein change: p.Trp188Ter; replaces tryptophan 188 with a stop codon.
Molecular consequence: nonsense. On other transcripts: synonymous variant (3), intron variant (1).
Genome position (GRCh38, 1-based): chr9:87,969,919, C>T on the plus strand (G>A on the coding strand, the complement: CDK20 is on the minus strand). VCF-style: chr9-87969919-C-T. GRCh37 (hg19) VCF-style: chr9-90584834-C-T.
Other names: c.501G>A, p.Arg167= (NM_001170639.2, NM_012119.5); c.540G>A, p.Arg180= (NM_178432.4); c.501-570G>A (NM_001170640.2); short protein forms W188*.
Identifiers: ClinVar variation 375376 (VCV000375376.2), dbSNP rs1057519438, ClinGen allele CA16044227.
Genomic context (GRCh38, chr9:87,969,919, plus strand): 5'-GTTCTTGCCCGGGAAAAGGGGGGACCCATTCAACAGCTCCCCCATGATGCAGCCCACAGA[C>T]CTGTGGACACAGAGCCCCAAGCAGGTCAGAGATCTCCCACCATGGACCACAGACCCACCC-3'

ClinVar aggregate classification (germline): Uncertain significance. Review status: criteria provided, single submitter (1 of 4 stars). 2 submissions from 2 submitters: Uncertain significance (1). 1 of the submissions does not count toward it. Last evaluated 2024-04-12.

Conditions:
Hearing impairment. Also called: Impaired Hearing. Identifiers: MedGen C1384666, MONDO:0005365, HP:0000365.
Attention deficit hyperactivity disorder (ADHD). Also called: Attention-Deficit/Hyperactivity Disorder. Identifiers: MedGen C1263846, MONDO:0007743, HP:0007018.
Compulsive behaviors. Also called: Obsessive-compulsive behavior. Identifiers: MedGen C0600104, HP:0000722.
Seizure. Also called: Seizures. Identifiers: MedGen C0036572, HP:0001250.

Submissions (2):

Women's Health and Genetics/Laboratory Corporation of America, LabCorp
Classification: Uncertain significance. Last evaluated: 2024-04-12. Review status: criteria provided, single submitter. Criteria: LabCorp Variant Classification Summary - May 2015. Collection method: clinical testing. Allele origin: germline.
Comment: Variant summary: CDK20 c.564G>A (p.Trp188X) results in a premature termination codon, predicted to cause a truncation of the encoded protein or absence of the protein due to nonsense mediated decay, however the molecular mechanism of disease attributed to CDK20 is currently unknown. In addition, this variant disrupts the first nucleotide of exon 6, and therefore can affect splicing. Consensus agreement among computation tools predict no significant impact on normal splicing. However, these predictions have yet to be confirmed by functional studies. The variant was absent in 205392 control chromosomes (gnomAD). The available data on variant occurrences in the general population are insufficient to allow any conclusion about variant significance. c.564G>A has been reported in the literature as a de novo variant in at least one individual affected with seizures, unilateral hearing loss, dysmorphic features, attention deficit hyperactivity disorder, and obsessive-compulsive disorder (e.g., Eldomery_2017), however a co-occurring, de novo HIVEP1 variant was also identified in the same individual. This report therefore does not provide unequivocal conclusions about association of the variant with CDK20-Related Disorders. To our knowledge, no experimental evidence demonstrating an impact on protein function has been reported. The following publication was ascertained in the context of this evaluation (PMID: 28327206). ClinVar contains an entry for this variant (Variation ID: 375376). Based on the evidence outlined above, the variant was classified as uncertain significance.

Lupski Lab, Baylor-Hopkins CMG, Baylor College of Medicine
Classification: Pathogenic for Seizure; Hearing impairment; Attention deficit hyperactivity disorder; Compulsive behaviors. Review status: no assertion criteria provided. Collection method: research. Allele origin: de novo. Inheritance: Autosomal dominant inheritance. Affected: yes. Not counted in ClinVar's aggregate classification.

Literature cited by the submitters: PubMed 28327206 (cited by Women's Health and Genetics/Laboratory Corporation of America, LabCorp).